The following is an entry in ClinVar:

ClinVar aggregate classification (germline): Uncertain significance (1 of 4 stars; one submission).

Conditions:
EP300-related disorder. Also called: EP300-related condition; EP300-related disorders.

gnomAD v4.1: 3 of 1,613,956 alleles (0.00019%); highest among the groups gnomAD compares: East Asian, 0.0067%; no homozygotes.

Submission:

PreventionGenetics, part of Exact Sciences
Classification: Uncertain significance for EP300-related condition. Last evaluated: 2025-08-18. Review status: criteria provided, single submitter. Criteria: ACMG Guidelines, 2015. Collection method: clinical testing. Allele origin: germline.
Comment: The EP300 c.1324T>G variant is predicted to result in the amino acid substitution p.Ser442Ala. To our knowledge, this variant has not been reported in the literature or in a large population database (gnomAD), indicating this variant is rare. Although we suspect that this variant may be benign, at this time, the clinical significance of this variant is uncertain due to the absence of conclusive functional and genetic evidence.

NM_001429.4(EP300):c.1324T>G (p.Ser442Ala)

Gene: EP300 (EP300 lysine acetyltransferase; plus strand). Cytogenetic location: 22q13.2.
Variant type: single nucleotide variant.
Coding change: c.1324T>G on transcript NM_001429.4 (MANE Select); coding-DNA position 1324, T replaced by G.
Protein change: p.Ser442Ala; replaces serine 442 with alanine.
Molecular consequence: missense variant.
Genome position (GRCh38, 1-based): chr22:41,131,429, T>G. VCF-style: chr22-41131429-T-G. GRCh37 (hg19) VCF-style: chr22-41527433-T-G.
Other names: c.1324T>G, p.Ser442Ala (NM_001362843.2); short protein forms S442A.
Identifiers: ClinVar variation 4995072 (VCV004995072.1).